The following is an entry in ClinVar:

ClinVar aggregate classification (germline): Uncertain significance (1 of 4 stars; one submission).

Conditions:
Hereditary sensory and autonomic neuropathy type 6. Also called: HSAN VI; Neuropathy, hereditary sensory and autonomic, type VI. Identifiers: Orphanet 314381, MedGen C3539003, MONDO:0013839, OMIM 614653.
Epidermolysis bullosa simplex 3, localized or generalized intermediate, with BP230 deficiency (EBS3). Also called: Epidermolysis bullosa simplex due to BP230 deficiency; Epidermolysis bullosa simplex, autosomal recessive 2. Identifiers: Orphanet 412181, MedGen C3809470, MONDO:0014180, OMIM 615425.

Submission:

Labcorp Genetics (formerly Invitae), Labcorp
Classification: Uncertain significance for Epidermolysis bullosa simplex 3, localized or generalized intermediate, with BP230 deficiency; Hereditary sensory and autonomic neuropathy type 6. Last evaluated: 2020-09-09. Review status: criteria provided, single submitter. Criteria: Invitae Variant Classification Sherloc (09022015). Collection method: clinical testing. Allele origin: germline.
Comment: In summary, the available evidence is currently insufficient to determine the role of this variant in disease. Therefore, it has been classified as a Variant of Uncertain Significance. Algorithms developed to predict the effect of missense changes on protein structure and function (SIFT, PolyPhen-2, Align-GVGD) all suggest that this variant is likely to be tolerated, but these predictions have not been confirmed by published functional studies and their clinical significance is uncertain. This variant has not been reported in the literature in individuals with DST-related conditions. This variant is not present in population databases (ExAC no frequency). This sequence change replaces lysine with arginine at codon 1746 of the DST protein (p.Lys1746Arg). The lysine residue is weakly conserved and there is a small physicochemical difference between lysine and arginine.

NM_001723.7(DST):c.5237A>G (p.Lys1746Arg)

Gene: DST (dystonin; minus strand). Cytogenetic location: 6p12.1.
Variant type: single nucleotide variant.
Coding change: c.5237A>G on transcript NM_001723.7 (MANE Plus Clinical); coding-DNA position 5237, A replaced by G.
Protein change: p.Lys1746Arg; replaces lysine 1746 with arginine.
Molecular consequence: missense variant. On other transcripts: intron variant (10).
Genome position (GRCh38, 1-based): chr6:56,618,797, T>C on the plus strand (A>G on the coding strand, the complement: DST is on the minus strand). VCF-style: chr6-56618797-T-C. GRCh37 (hg19) VCF-style: chr6-56483595-T-C.
Other names: c.4831-4313A>G (NM_001144769.5); c.4930-4313A>G (NM_001374722.1, NM_001374736.1); c.4957-4313A>G (NM_001374734.1); c.4417-4313A>G (NM_001144770.2); c.4297-4313A>G (NM_001374730.1, NM_001386100.1, NM_183380.4 and 1 more transcripts); c.3319-4313A>G (NM_015548.5); short protein forms K1746R.
Identifiers: ClinVar variation 1017947 (VCV001017947.9), dbSNP rs2098656182, ClinGen allele CA364567836.
Genomic context (GRCh38, chr6:56,618,797, plus strand): 5'-ACTTTGGACTCCATTAATTTTTCCATCTTCTTCCGAAACTCCTCTGCTGATTGTTTGAAT[T>C]TACCAGATTCTTCCTGAAACAGAACCATCTTTCTGTGGGTCATCTGCTCCTCTATGGTCT-3'
Protein context (NP_001714.1, residues 1736-1756): KMVLFQEESG[Lys1746Arg]FKQSAEEFRK